The following is an entry in ClinVar:

NM_022482.5(GZF1):c.1319G>A (p.Cys440Tyr)

Gene: GZF1 (GDNF inducible zinc finger protein 1; plus strand). Cytogenetic location: 20p11.21.
Variant type: single nucleotide variant.
Coding change: c.1319G>A on transcript NM_022482.5 (MANE Select); coding-DNA position 1319, G replaced by A.
Protein change: p.Cys440Tyr; replaces cysteine 440 with tyrosine.
Molecular consequence: missense variant.
Genome position (GRCh38, 1-based): chr20:23,365,702, G>A. VCF-style: chr20-23365702-G-A. GRCh37 (hg19) VCF-style: chr20-23346339-G-A.
Other names: c.1319G>A, p.Cys440Tyr (NM_001317012.2, NM_001317019.1); short protein forms C440Y.
Identifiers: ClinVar variation 4710135 (VCV004710135.1).

ClinVar aggregate classification (germline): Uncertain significance (1 of 4 stars; one submission).

Submission:

Labcorp Genetics (formerly Invitae), Labcorp
Classification: Uncertain significance. Last evaluated: 2025-09-26. Review status: criteria provided, single submitter. Criteria: Invitae Variant Classification Sherloc (09022015). Collection method: clinical testing. Allele origin: germline.
Comment: This sequence change replaces cysteine, which is neutral and slightly polar, with tyrosine, which is neutral and polar, at codon 440 of the GZF1 protein (p.Cys440Tyr). This variant is not present in population databases (gnomAD no frequency). This variant has not been reported in the literature in individuals affected with GZF1-related conditions. An algorithm developed to predict the effect of missense changes on protein structure and function (PolyPhen-2) suggests that this variant is likely to be disruptive. In summary, the available evidence is currently insufficient to determine the role of this variant in disease. Therefore, it has been classified as a Variant of Uncertain Significance.